The following is an entry in ClinVar:

NM_030632.3(ASXL3):c.3688C>T (p.Leu1230Phe)

Gene: ASXL3 (ASXL transcriptional regulator 3; plus strand). Cytogenetic location: 18q12.1.
Variant type: single nucleotide variant.
Coding change: c.3688C>T on transcript NM_030632.3 (MANE Select); coding-DNA position 3688, C replaced by T.
Protein change: p.Leu1230Phe; replaces leucine 1230 with phenylalanine.
Molecular consequence: missense variant.
Genome position (GRCh38, 1-based): chr18:33,743,536, C>T. VCF-style: chr18-33743536-C-T. GRCh37 (hg19) VCF-style: chr18-31323500-C-T.
Other names: short protein forms L1230F.
Identifiers: ClinVar variation 1331188 (VCV001331188.2), dbSNP rs2145425277, ClinGen allele CA402185883.

ClinVar aggregate classification (germline): Uncertain significance (1 of 4 stars; one submission).

Allele frequency attached by ClinVar (database versions not stated): gnomAD exomes below 0.00001.
gnomAD v4.1: 5 of 1,613,308 alleles (0.00031%); highest among the groups gnomAD compares: Non-Finnish European, 0.00042%; no homozygotes.

Submission:

GeneDx
Classification: Uncertain significance. Last evaluated: 2021-07-02. Review status: criteria provided, single submitter. Criteria: GeneDx Variant Classification Process June 2021. Collection method: clinical testing. Allele origin: germline. Affected: yes.
Comment: Has not been previously published as pathogenic or benign to our knowledge; Not observed at significant frequency in large population cohorts (Lek et al., 2016); In silico analysis supports that this missense variant does not alter protein structure/function; This variant is associated with the following publications: (PMID: 27535533)